The following is an entry in ClinVar:

ClinVar aggregate classification (germline): Uncertain significance (1 of 4 stars; one submission).

Conditions:
HPS5-related disorder. Also called: HPS5-related condition.

Allele frequency attached by ClinVar (database versions not stated): gnomAD exomes below 0.00001.
gnomAD v4.1: 1 of 1,614,242 alleles (0.000062%); highest among the groups gnomAD compares: Non-Finnish European, 0.000085%; no homozygotes.

Submission:

PreventionGenetics, part of Exact Sciences
Classification: Uncertain significance for HPS5-related condition. Last evaluated: 2023-08-19. Review status: criteria provided, single submitter. Criteria: ACMG Guidelines, 2015. Collection method: clinical testing. Allele origin: germline.
Comment: The HPS5 c.2168T>C variant is predicted to result in the amino acid substitution p.Ile723Thr. To our knowledge, this variant has not been reported in the literature or in a large population database, indicating this variant is rare. At this time, the clinical significance of this variant is uncertain due to the absence of conclusive functional and genetic evidence.

NM_181507.2(HPS5):c.2168T>C (p.Ile723Thr)

Gene: HPS5 (HPS5 biogenesis of lysosomal organelles complex 2 subunit 2; minus strand). Cytogenetic location: 11p15.1.
Variant type: single nucleotide variant.
Coding change: c.2168T>C on transcript NM_181507.2 (MANE Select); coding-DNA position 2168, T replaced by C.
Protein change: p.Ile723Thr; replaces isoleucine 723 with threonine.
Molecular consequence: missense variant.
Genome position (GRCh38, 1-based): chr11:18,291,714, A>G on the plus strand (T>C on the coding strand, the complement: HPS5 is on the minus strand). VCF-style: chr11-18291714-A-G. GRCh37 (hg19) VCF-style: chr11-18313261-A-G.
Other names: c.1826T>C, p.Ile609Thr (NM_007216.4, NM_181508.2); short protein forms I609T, I723T.
Identifiers: ClinVar variation 2631776 (VCV002631776.1), dbSNP rs2494594560, ClinGen allele CA379489630.